The following is an entry in ClinVar:

NM_001377.3(DYNC2H1):c.8009_8011delinsC (p.His2670fs)

Gene: DYNC2H1 (dynein cytoplasmic 2 heavy chain 1; plus strand). Cytogenetic location: 11q22.3.
Variant type: Indel.
Coding change: c.8009_8011delinsC on transcript NM_001377.3 (MANE Select); coding-DNA positions 8009 to 8011, ACA replaced by C.
Protein change: p.His2670fs; shifts the reading frame from histidine 2670.
Molecular consequence: frameshift variant.
Genome position (GRCh38, 1-based): chr11:103,199,397-103,199,399, ACA replaced by C. VCF-style: chr11-103199397-ACA-C. GRCh37 (hg19) VCF-style: chr11-103070126-ACA-C.
Other names: c.8009_8011delinsC, p.His2670fs (NM_001080463.2); short protein forms H2670fs.
Identifiers: ClinVar variation 5014981 (VCV005014981.1).

ClinVar aggregate classification (germline): Pathogenic (1 of 4 stars; one submission).

Conditions:
Asphyxiating thoracic dystrophy 3. Also called: SHORT-RIB THORACIC DYSPLASIA 3 WITH OR WITHOUT POLYDACTYLY; POLYDACTYLY WITH NEONATAL CHONDRODYSTROPHY, TYPE I; SHORT-RIB THORACIC DYSPLASIA 3/6 WITH POLYDACTYLY, DIGENIC; Short rib polydactyly syndrome 2B; Saldino-Noonan Syndrome. Identifiers: Orphanet 474, Orphanet 93269, Orphanet 93270, Orphanet 93271, MedGen C0036069, MONDO:0013127, OMIM 613091.

Submission:

Myriad Genetics, Inc.
Classification: Pathogenic for Asphyxiating thoracic dystrophy 3. Last evaluated: 2025-09-14. Review status: criteria provided, single submitter. Criteria: Myriad Autosomal Dominant, Autosomal Recessive and X-Linked Classification Criteria (2023). Collection method: clinical testing. Allele origin: unknown.
Comment: NM_001377.2(DYNC2H1):c.8009_8011delACAinsC(H2670Pfs*16) is expected to be pathogenic in the context of DYNC2H1-related disorders. This variant is predicted to lead to an abnormal or absent protein product due to the creation of a premature termination codon in DYNC2H1, a gene where loss-of-function variants are known to be pathogenic. Please note: this variant was assessed in the context of healthy population screening.